The following is an entry in ClinVar:

NM_002246.3(KCNK3):c.1029C>G (p.Ser343Arg)

Gene: KCNK3 (potassium two pore domain channel subfamily K member 3; plus strand). Cytogenetic location: 2p23.3.
Variant type: single nucleotide variant.
Coding change: c.1029C>G on transcript NM_002246.3 (MANE Select); coding-DNA position 1029, C replaced by G.
Protein change: p.Ser343Arg; replaces serine 343 with arginine.
Molecular consequence: missense variant.
Genome position (GRCh38, 1-based): chr2:26,728,412, C>G. VCF-style: chr2-26728412-C-G. GRCh37 (hg19) VCF-style: chr2-26951280-C-G.
Other names: short protein forms S343R.
Identifiers: ClinVar variation 4738598 (VCV004738598.1).

ClinVar aggregate classification (germline): Uncertain significance (1 of 4 stars; one submission).

Conditions:
Pulmonary hypertension, primary, 4. Identifiers: Orphanet 422, MedGen C3809198, MONDO:0014136, OMIM 615344.

Submission:

Labcorp Genetics (formerly Invitae), Labcorp
Classification: Uncertain significance for Pulmonary hypertension, primary, 4. Last evaluated: 2025-09-21. Review status: criteria provided, single submitter. Criteria: Invitae Variant Classification Sherloc (09022015). Collection method: clinical testing. Allele origin: germline.
Comment: This sequence change replaces serine, which is neutral and polar, with arginine, which is basic and polar, at codon 343 of the KCNK3 protein (p.Ser343Arg). This variant is not present in population databases (gnomAD no frequency). This variant has not been reported in the literature in individuals affected with KCNK3-related conditions. An algorithm developed to predict the effect of missense changes on protein structure and function (PolyPhen-2) suggests that this variant is likely to be tolerated. In summary, the available evidence is currently insufficient to determine the role of this variant in disease. Therefore, it has been classified as a Variant of Uncertain Significance.